The following is an entry in ClinVar:

ClinVar aggregate classification (germline): Uncertain significance (1 of 4 stars; one submission).

Conditions:
Retinoblastoma (RB1). Also called: RETINOBLASTOMA, SOMATIC. Identifiers: Orphanet 790, MedGen C0035335, MeSH D012175, MONDO:0008380, OMIM 180200, HP:0009919. Disease mechanism: loss of function. Inheritance: Both sporadic and heritable forms are tested..

Submission:

Labcorp Genetics (formerly Invitae), Labcorp
Classification: Uncertain significance for Retinoblastoma. Last evaluated: 2023-11-27. Review status: criteria provided, single submitter. Criteria: Invitae Variant Classification Sherloc (09022015). Collection method: clinical testing. Allele origin: germline.
Comment: This sequence change replaces glutamic acid, which is acidic and polar, with lysine, which is basic and polar, at codon 559 of the RB1 protein (p.Glu559Lys). This variant is not present in population databases (gnomAD no frequency). This variant has not been reported in the literature in individuals affected with RB1-related conditions. Advanced modeling of protein sequence and biophysical properties (such as structural, functional, and spatial information, amino acid conservation, physicochemical variation, residue mobility, and thermodynamic stability) performed at Invitae indicates that this missense variant is expected to disrupt RB1 protein function with a positive predictive value of 80%. In summary, the available evidence is currently insufficient to determine the role of this variant in disease. Therefore, it has been classified as a Variant of Uncertain Significance.

NM_000321.3(RB1):c.1675G>A (p.Glu559Lys)

Gene: RB1 (RB transcriptional corepressor 1; plus strand). Cytogenetic location: 13q14.2.
Variant type: single nucleotide variant.
Coding change: c.1675G>A on transcript NM_000321.3 (MANE Select); coding-DNA position 1675, G replaced by A.
Protein change: p.Glu559Lys; replaces glutamic acid 559 with lysine.
Molecular consequence: missense variant.
Genome position (GRCh38, 1-based): chr13:48,381,423, G>A. VCF-style: chr13-48381423-G-A. GRCh37 (hg19) VCF-style: chr13-48955559-G-A.
Other names: c.1675G>A, p.Glu559Lys (NM_001407165.1, NM_001407166.1); short protein forms E559K.
Identifiers: ClinVar variation 2699151 (VCV002699151.3), dbSNP rs1131690869, ClinGen allele CA388164027.